The following is an entry in ClinVar:

NM_031220.4(PITPNM3):c.2134T>C (p.Tyr712His)

Gene: PITPNM3 (PITPNM family member 3; minus strand). Cytogenetic location: 17p13.2.
Variant type: single nucleotide variant.
Coding change: c.2134T>C on transcript NM_031220.4 (MANE Select); coding-DNA position 2134, T replaced by C.
Protein change: p.Tyr712His; replaces tyrosine 712 with histidine.
Molecular consequence: missense variant.
Genome position (GRCh38, 1-based): chr17:6,464,192, A>G on the plus strand (T>C on the coding strand, the complement: PITPNM3 is on the minus strand). VCF-style: chr17-6464192-A-G. GRCh37 (hg19) VCF-style: chr17-6367512-A-G.
Other names: c.2026T>C, p.Tyr676His (NM_001165966.2); short protein forms Y712H, Y676H.
Identifiers: ClinVar variation 4740725 (VCV004740725.1).

ClinVar aggregate classification (germline): Uncertain significance (1 of 4 stars; one submission).

gnomAD v4.1: 1 of 1,614,090 alleles (0.000062%); highest among the groups gnomAD compares: Admixed American, 0.0017%; no homozygotes.

Submission:

Labcorp Genetics (formerly Invitae), Labcorp
Classification: Uncertain significance. Last evaluated: 2025-08-02. Review status: criteria provided, single submitter. Criteria: Invitae Variant Classification Sherloc (09022015). Collection method: clinical testing. Allele origin: germline.
Comment: This sequence change replaces tyrosine, which is neutral and polar, with histidine, which is basic and polar, at codon 712 of the PITPNM3 protein (p.Tyr712His). This variant is not present in population databases (gnomAD no frequency). This variant has not been reported in the literature in individuals affected with PITPNM3-related conditions. Invitae Evidence Modeling of protein sequence and biophysical properties (such as structural, functional, and spatial information, amino acid conservation, physicochemical variation, residue mobility, and thermodynamic stability) indicates that this missense variant is not expected to disrupt PITPNM3 protein function with a negative predictive value of 80%. In summary, the available evidence is currently insufficient to determine the role of this variant in disease. Therefore, it has been classified as a Variant of Uncertain Significance.